The following is an entry in ClinVar:

NM_000330.4(RS1):c.276G>T (p.Trp92Cys)

Genes: CDKL5 (cyclin dependent kinase like 5; plus strand), RS1 (retinoschisin 1; minus strand). Cytogenetic location: Xp22.13.
Variant type: single nucleotide variant.
Coding change: c.276G>T on transcript NM_000330.4 (MANE Select); coding-DNA position 276, G replaced by T.
Protein change: p.Trp92Cys; replaces tryptophan 92 with cysteine.
Molecular consequence: missense variant. On other transcripts: intron variant (2).
Genome position (GRCh38, 1-based): chrX:18,647,241, C>A on the plus strand (G>T on the coding strand, the complement: RS1 is on the minus strand). VCF-style: chrX-18647241-C-A. GRCh37 (hg19) VCF-style: chrX-18665361-C-A.
Other names: NM_003159.3:c.2797+1151C>A; c.2797+1151C>A (NM_003159.3, NM_001037343.2); short protein forms W92C.
Identifiers: ClinVar variation 4526703 (VCV004526703.2).

ClinVar aggregate classification (germline): Pathogenic. Review status: reviewed by expert panel (3 of 4 stars). 2 submissions from 2 submitters: Pathogenic (1). 1 of the submissions does not count toward it. Last evaluated 2026-09-26.

Conditions:
Juvenile retinoschisis (RS1). Also called: X-linked retinoschisis; X-Linked Juvenile Retinoschisis. Identifiers: Orphanet 792, MedGen C3714753, MONDO:0010725, OMIM 312700.

Submissions (2):

ClinGen X-linked Inherited Retinal Disease Variant Curation Expert Panel, ClinGen
Classification: Pathogenic for Juvenile retinoschisis. Last evaluated: 2026-09-26. Review status: reviewed by expert panel. Criteria: ClinGen X LinkedIRD ACMG Specifications RS1 V1.0.0. Collection method: curation. Allele origin: germline. Inheritance: X-linked inheritance.
Comment: The NM_000330.4(RS1):c.276G>T (p.Trp92Cys) variant is a missense variant encoding the substitution of Tryptophan and Cystine at amino acid 92. This variant is absent from hemizygous individuals in gnomAD v4.1.0 (PM2_Supporting). The computational predictor REVEL gives a score of 0.982, which is above the ClinGen X-linked IRD VCEP threshold of >0.932 and predicts a damaging effect on RS1 function (PP3_strong). The computational splicing predictor SpliceAI gives a delta score of 0.00 for all predictive splice changes, which is below the ClinGen X-linked IRD VCEP threshold of >0.2 and does not predict that the variant disrupts RS1 splicing. A missense variant encoding the same amino acid substitution, NM_000330.4(RS1):c.276G>C (p.Trp92Cys), (PMIDs: 10636421, 9760195, 28348004, 31106028, 28272453, 33608557, 34624300, and 20809529, has been classified as pathogenic for X-linked retinoschisis by the ClinGen X-linked IRD VCEP, while no benign missense variants have been identified in this codon. SpliceAI has been used to confirm that neither variant has a predicted impact on RS1 splicing (PS1). At least one proband harboring this variant exhibits the following phenotypes, including the appearance of schisis and reduced visual acuity before age 13 years, which together are specific for X-linked retinoschisis (PMID: 28272453, 32300273, PP4). In summary, this variant is classified as pathogenic for X-linked retinoschisis based on the ClinGen X-linked Inherited Retinal Disease Expert Panel Specifications to the ACMG/AMP Variant Interpretation Guidelines for RS1 Version 1.0.0: PM2_Supporting, PP3_Strong, PS1, and PP4.

Department of Ophthalmology, Shanghai Jiao Tong University School of Medicine, Shanghai General Hospital
Classification: Uncertain significance for Juvenile retinoschisis. Review status: criteria provided, single submitter. Criteria: ACMG Guidelines, 2015. Collection method: research. Allele origin: germline. Affected: yes. Not counted in ClinVar's aggregate classification.